The following is an entry in ClinVar:

ClinVar aggregate classification (germline): Pathogenic (1 of 4 stars; one submission).

Conditions:
Fanconi anemia (FA). Also called: Fanconi's anemia. Identifiers: Orphanet 84, MedGen C0015625, MeSH D005199, MONDO:0019391.

Submission:

Labcorp Genetics (formerly Invitae), Labcorp
Classification: Pathogenic for Fanconi anemia. Last evaluated: 2022-10-20. Review status: criteria provided, single submitter. Criteria: Invitae Variant Classification Sherloc (09022015). Collection method: clinical testing. Allele origin: germline.
Comment: This variant is a gross deletion of the genomic region encompassing exon(s) 11-14 of the FANCA gene. This deletion is out-of-frame, and is expected to create a premature termination codon and result in an absent or disrupted protein product. Loss-of-function variants in FANCA are known to be pathogenic (PMID: 19367192). A similar copy number variant has been observed in individual(s) with FANCA-related disease (PMID: 10094191, 24584348, 29098742). For these reasons, this variant has been classified as Pathogenic.

Literature cited by the submitters: PubMed 19367192; PubMed 10094191; PubMed 24584348; PubMed 29098742.

NC_000016.10:g.(?_89791393)_(89796028_?)del

Gene: FANCA (FA complementation group A; minus strand). Cytogenetic location: 16q24.3.
Variant type: Deletion.
Identifiers: ClinVar variation 832475 (VCV000832475.2).